The following is an entry in ClinVar:

ClinVar aggregate classification (germline): Uncertain significance (1 of 4 stars; one submission).

Conditions:
Dilated cardiomyopathy 1O (CMD1O). Also called: CARDIOMYOPATHY, DILATED, WITH VENTRICULAR TACHYCARDIA. Identifiers: Orphanet 154, MedGen C1837839, MONDO:0012062, OMIM 608569.

Allele frequency attached by ClinVar (database versions not stated): gnomAD exomes below 0.00001.
gnomAD v4.1: 1 of 1,613,802 alleles (0.000062%); highest among the groups gnomAD compares: Admixed American, 0.0017%; no homozygotes.

Submission:

Labcorp Genetics (formerly Invitae), Labcorp
Classification: Uncertain significance for Dilated cardiomyopathy 1O. Last evaluated: 2019-04-19. Review status: criteria provided, single submitter. Criteria: Invitae Variant Classification Sherloc (09022015). Collection method: clinical testing. Allele origin: germline.
Comment: In summary, the available evidence is currently insufficient to determine the role of this variant in disease. Therefore, it has been classified as a Variant of Uncertain Significance. Algorithms developed to predict the effect of missense changes on protein structure and function are either unavailable or do not agree on the potential impact of this missense change (SIFT: "Deleterious"; PolyPhen-2: "Benign"; Align-GVGD: "Class C0"). This variant has not been reported in the literature in individuals with ABCC9-related conditions. This variant is not present in population databases (ExAC no frequency). This sequence change replaces aspartic acid with glycine at codon 1367 of the ABCC9 protein (p.Asp1367Gly). The aspartic acid residue is moderately conserved and there is a moderate physicochemical difference between aspartic acid and glycine.

NM_020297.4(ABCC9):c.4100A>G (p.Asp1367Gly)

Genes: ABCC9 (ATP binding cassette subfamily C member 9; minus strand), KCNJ8-AS1 (KCNJ8 antisense RNA 1; plus strand). Cytogenetic location: 12p12.1.
Variant type: single nucleotide variant.
Coding change: c.4100A>G on transcript NM_020297.4 (MANE Select); coding-DNA position 4100, A replaced by G.
Protein change: p.Asp1367Gly; replaces aspartic acid 1367 with glycine.
Molecular consequence: missense variant.
Genome position (GRCh38, 1-based): chr12:21,814,646, T>C on the plus strand (A>G on the coding strand, the complement: ABCC9 is on the minus strand). VCF-style: chr12-21814646-T-C. GRCh37 (hg19) VCF-style: chr12-21967580-T-C.
Other names: c.4100A>G, p.Asp1367Gly (NM_001377273.1, NM_005691.4); c.3233A>G, p.Asp1078Gly (NM_001377274.1); short protein forms D1367G, D1078G.
Identifiers: ClinVar variation 861407 (VCV000861407.9), dbSNP rs1005447267, ClinGen allele CA233614035.